The following is an entry in ClinVar:

ClinVar aggregate classification (germline): Uncertain significance (1 of 4 stars; one submission).

Conditions:
Hereditary cancer-predisposing syndrome. Also called: Neoplastic Syndromes, Hereditary; Tumor predisposition; Hereditary neoplastic syndrome; Hereditary Cancer Syndrome. Identifiers: Orphanet 140162, MedGen C0027672, MeSH D009386, MONDO:0015356.

Submission:

Ambry Genetics
Classification: Uncertain significance for Hereditary cancer-predisposing syndrome. Last evaluated: 2022-04-19. Review status: criteria provided, single submitter. Criteria: Ambry Variant Classification Scheme 2023. Collection method: clinical testing. Allele origin: germline.
Comment: The p.E256D variant (also known as c.768A>C), located in coding exon 6 of the STK11 gene, results from an A to C substitution at nucleotide position 768. The glutamic acid at codon 256 is replaced by aspartic acid, an amino acid with highly similar properties. This amino acid position is highly conserved in available vertebrate species. In addition, this alteration is predicted to be tolerated by in silico analysis. Since supporting evidence is limited at this time, the clinical significance of this alteration remains unclear.

Literature cited by the submitters: PubMed 10780518.

NM_000455.5(STK11):c.768A>C (p.Glu256Asp)

Gene: STK11 (serine/threonine kinase 11; plus strand). Cytogenetic location: 19p13.3.
Variant type: single nucleotide variant.
Coding change: c.768A>C on transcript NM_000455.5 (MANE Select); coding-DNA position 768, A replaced by C.
Protein change: p.Glu256Asp; replaces glutamic acid 256 with aspartic acid.
Molecular consequence: missense variant.
Genome position (GRCh38, 1-based): chr19:1,221,246, A>C. VCF-style: chr19-1221246-A-C. GRCh37 (hg19) VCF-style: chr19-1221245-A-C.
Other names: short protein forms E256D.
Identifiers: ClinVar variation 827193 (VCV000827193.4), dbSNP rs1599927585, ClinGen allele CA402950423.
Genomic context (GRCh38, chr19:1,221,246, plus strand): 5'-CCTTTCTTCCCTCCCCTCGAAATGAAGCTACAACATCACCACGGGTCTGTACCCCTTCGA[A>C]GGGGACAACATCTACAAGTTGTTTGAGAACATCGGGAAGGGGAGCTACGCCATCCCGGGC-3'
Protein context (NP_000446.1, residues 246-266): YNITTGLYPF[Glu256Asp]GDNIYKLFEN